The following is an entry in ClinVar:

NM_000404.4(GLB1):c.1979G>A (p.Arg660Lys)

Gene: GLB1 (galactosidase beta 1; minus strand). Cytogenetic location: 3p22.3.
Variant type: single nucleotide variant.
Coding change: c.1979G>A on transcript NM_000404.4 (MANE Select); coding-DNA position 1979, G replaced by A.
Protein change: p.Arg660Lys; replaces arginine 660 with lysine.
Molecular consequence: missense variant. On other transcripts: intron variant (1).
Genome position (GRCh38, 1-based): chr3:32,997,100, C>T on the plus strand (G>A on the coding strand, the complement: GLB1 is on the minus strand). VCF-style: chr3-32997100-C-T. GRCh37 (hg19) VCF-style: chr3-33038592-C-T.
Other names: c.1889G>A, p.Arg630Lys (NM_001079811.3); c.1586G>A, p.Arg529Lys (NM_001135602.3); c.2123G>A, p.Arg708Lys (NM_001317040.2); c.1734+16956G>A (NM_001393580.1); short protein forms R708K, R630K, R660K, R529K.
Identifiers: ClinVar variation 1957630 (VCV001957630.2), dbSNP rs772803158, ClinGen allele CA352000005.
Genomic context (GRCh38, chr3:32,997,100, plus strand): 5'-CATCATCATACATGGTCCAGCCATGAATCTTTGTTTTTTTGCGGGGGTGGGGGCATGAGT[C>T]TTTTTTCAACAGGTTTGGAGGGATGATCGTAGGTCACAGATGAGCCAATAACTGGCCTGT-3'
Protein context (NP_000395.3, residues 650-670): YDHPSKPVEK[Arg660Lys]LMPPPPQKNK

ClinVar aggregate classification (germline): Uncertain significance (1 of 4 stars; one submission).

Conditions:
GM1 gangliosidosis. Identifiers: Orphanet 354, MedGen C0085131, MONDO:0018149.
Mucopolysaccharidosis, MPS-IV-B (MPS4B). Also called: Mucopolysaccharidosis type IV B; Mucopolysaccharidosis type 4B; MORQUIO SYNDROME B; Mucopolysaccharidosis type IVB (Morquio); MPS IVB; Mucopolysaccharidosis Type IVB. Identifiers: Orphanet 309310, Orphanet 582, MedGen C0086652, MONDO:0009660, OMIM 253010.

Allele frequency attached by ClinVar (database versions not stated): TOPMed 0.00001.

Submission:

Labcorp Genetics (formerly Invitae), Labcorp
Classification: Uncertain significance for Mucopolysaccharidosis, MPS-IV-B; GM1 gangliosidosis. Last evaluated: 2022-07-29. Review status: criteria provided, single submitter. Criteria: Invitae Variant Classification Sherloc (09022015). Collection method: clinical testing. Allele origin: germline.
Comment: This sequence change replaces arginine, which is basic and polar, with lysine, which is basic and polar, at codon 660 of the GLB1 protein (p.Arg660Lys). This variant is present in population databases (no rsID available, gnomAD 0.007%). This variant has not been reported in the literature in individuals affected with GLB1-related conditions. Advanced modeling of protein sequence and biophysical properties (such as structural, functional, and spatial information, amino acid conservation, physicochemical variation, residue mobility, and thermodynamic stability) performed at Invitae indicates that this missense variant is not expected to disrupt GLB1 protein function. In summary, the available evidence is currently insufficient to determine the role of this variant in disease. Therefore, it has been classified as a Variant of Uncertain Significance.